The following is an entry in ClinVar:

ClinVar aggregate classification (germline): Benign. Review status: criteria provided, multiple submitters, no conflicts (2 of 4 stars). 2 submissions from 2 submitters: Benign (2). Last evaluated 2018-06-14.

Allele frequency attached by ClinVar (database versions not stated): gnomAD 0.03146 and 0.03816; TOPMed 0.04341; gnomAD exomes 0.05573; 1000 Genomes Project 30x 0.09900; 1000 Genomes Project 0.10763.
gnomAD v4.1: 22,047 of 449,514 alleles (4.9%); highest among the groups gnomAD compares: East Asian, 38%; 2,545 homozygotes.

Submissions (2):

GeneDx
Classification: Benign. Last evaluated: 2018-06-14. Review status: criteria provided, single submitter. Criteria: GeneDx Variant Classification (06012015). Collection method: clinical testing. Allele origin: germline. Affected: yes.
Comment: This variant is considered likely benign or benign based on one or more of the following criteria: it is a conservative change, it occurs at a poorly conserved position in the protein, it is predicted to be benign by multiple in silico algorithms, and/or has population frequency not consistent with disease.

Breakthrough Genomics
Classification: Benign. Review status: criteria provided, single submitter. Criteria: ACMG Guidelines, 2015. Collection method: not provided. Allele origin: germline. Inheritance: Autosomal dominant inheritance. Affected: yes.

NM_006258.4(PRKG1):c.1173+215T>A

Gene: PRKG1 (protein kinase cGMP-dependent 1; plus strand). Cytogenetic location: 10q21.1.
Variant type: single nucleotide variant.
Coding change: c.1173+215T>A on transcript NM_006258.4 (MANE Select); 215 bases into the intron after coding-DNA position 1173, T replaced by A.
Molecular consequence: intron variant.
Genome position (GRCh38, 1-based): chr10:52,251,881, T>A. VCF-style: chr10-52251881-T-A. GRCh37 (hg19) VCF-style: chr10-54011641-T-A.
Other names: c.1128+215T>A (NM_001098512.3).
Identifiers: ClinVar variation 674906 (VCV000674906.2), dbSNP rs77530078, ClinGen allele CA207397677.